The following is an entry in ClinVar:

ClinVar aggregate classification (germline): Conflicting classifications of pathogenicity. Review status: criteria provided, conflicting classifications (1 of 4 stars). 7 submissions from 7 submitters: Uncertain significance (3); Benign (1); Likely benign (3). Last evaluated 2026-06-03.

Conditions:
PKD1-related disorder. Also called: PKD1-related condition.
Inborn genetic diseases. Identifiers: MedGen C0950123, MeSH D030342.
Polycystic kidney disease, adult type (PKD1). Also called: Polycystic Kidney Disease 1, Autosomal Dominant; Polycystic kidney disease 1; Polycystic kidney disease 1, severe; POLYCYSTIC KIDNEY DISEASE 1 WITH OR WITHOUT POLYCYSTIC LIVER DISEASE; Polycystic Kidney, Autosomal Dominant; POLYCYSTIC KIDNEY DISEASE, ADULT, TYPE I. Identifiers: MedGen C3149841, MONDO:0008263, OMIM 173900.

Allele frequency attached by ClinVar (database versions not stated): TOPMed 0.00004; gnomAD 0.00007.
gnomAD v4.1: 90 of 1,602,868 alleles (0.0056%); highest among the groups gnomAD compares: Non-Finnish European, 0.0047%; no homozygotes.

Submissions (7):

Women's Health and Genetics/Laboratory Corporation of America, LabCorp
Classification: Uncertain significance. Last evaluated: 2026-06-03. Review status: criteria provided, single submitter. Criteria: LabCorp Variant Classification Summary - May 2015. Collection method: clinical testing. Allele origin: germline.
Comment: Variant summary: PKD1 c.5453C>T (p.Ala1818Val) results in a non-conservative amino acid change in the encoded protein sequence. Algorithms developed to predict the effect of missense changes on protein structure and function are either unavailable or do not agree on the potential impact of this missense change. The variant allele was found at a frequency of 9.7e-05 in 227002 control chromosomes. This frequency is not significantly higher than estimated for disease-causing variants in PKD1, allowing no conclusion about variant significance. To our knowledge, no occurrence of c.5453C>T in individuals affected with PKD1-related conditions and no experimental evidence demonstrating its impact on protein function have been reported. ClinVar contains an entry for this variant (Variation ID: 447988). Based on the evidence outlined above, the variant was classified as uncertain significance.

PreventionGenetics, part of Exact Sciences
Classification: Likely benign for PKD1-related condition. Last evaluated: 2025-08-10. Review status: criteria provided, single submitter. Criteria: ACMG Guidelines, 2015. Collection method: clinical testing. Allele origin: germline.
Comment: This variant is classified as likely benign based on ACMG/AMP sequence variant interpretation guidelines (Richards et al. 2015 PMID: 25741868, with internal and published modifications).

Ambry Genetics
Classification: Uncertain significance for Inborn genetic diseases. Last evaluated: 2023-05-23. Review status: criteria provided, single submitter. Criteria: Ambry Variant Classification Scheme 2023. Collection method: clinical testing. Allele origin: germline.

Athena Diagnostics
Classification: Benign. Last evaluated: 2020-10-06. Review status: criteria provided, single submitter. Criteria: Athena Diagnostics criteria. Collection method: clinical testing. Allele origin: unknown.

CeGaT Center for Human Genetics Tuebingen
Classification: Likely benign. Last evaluated: 2020-01-01. Review status: criteria provided, single submitter. Criteria: CeGaT Center For Human Genetics Tuebingen Variant Classification Criteria Version 2. Collection method: clinical testing. Allele origin: germline. Affected: yes. Observed: 1 variant allele.

ARUP Laboratories, Molecular Genetics and Genomics, ARUP Laboratories
Classification: Uncertain significance for Polycystic kidney disease, adult type. Last evaluated: 2019-08-29. Review status: criteria provided, single submitter. Criteria: ARUP Molecular Germline Variant Investigation Process. Collection method: clinical testing. Allele origin: germline.
Comment: The PKD1 c.5453C>T; p.Ala1818Val variant (rs746910149), to our knowledge, is not reported in the medical literature but is reported in ClinVar (Variation ID: 447988). This variant is found in the Ashkenazi Jewish population with an allele frequency of 0.17% (17/9844 alleles) in the Genome Aggregation Database. The alanine at codon 1818 is highly conserved, but computational analyses (SIFT, PolyPhen-2) predict that this variant is tolerated. Due to limited information, the clinical significance of the p.Ala1818Val variant is uncertain at this time.

Institute of Human Genetics, University of Leipzig Medical Center
Classification: Likely benign for Polycystic kidney disease, adult type. Last evaluated: 2019-01-01. Review status: criteria provided, single submitter. Criteria: ACMG Guidelines, 2015. Collection method: clinical testing. Allele origin: unknown. Affected: no.

NM_001009944.3(PKD1):c.5453C>T (p.Ala1818Val)

Gene: PKD1 (polycystin 1, transient receptor potential channel interacting; minus strand). Cytogenetic location: 16p13.3.
Variant type: single nucleotide variant.
Coding change: c.5453C>T on transcript NM_001009944.3 (MANE Select); coding-DNA position 5453, C replaced by T.
Protein change: p.Ala1818Val; replaces alanine 1818 with valine.
Molecular consequence: missense variant.
Genome position (GRCh38, 1-based): chr16:2,109,714, G>A on the plus strand (C>T on the coding strand, the complement: PKD1 is on the minus strand). VCF-style: chr16-2109714-G-A. GRCh37 (hg19) VCF-style: chr16-2159715-G-A.
Other names: c.5453C>T, p.Ala1818Val (NM_000296.4); short protein forms A1818V.
Identifiers: ClinVar variation 447988 (VCV000447988.56), dbSNP rs746910149, ClinGen allele CA7831972.